The following is an entry in ClinVar:

ClinVar aggregate classification (germline): Pathogenic (1 of 4 stars; one submission).

Submission:

GeneDx
Classification: Pathogenic. Last evaluated: 2018-05-11. Review status: criteria provided, single submitter. Criteria: GeneDx Variant Classification (06012015). Collection method: clinical testing. Allele origin: germline. Affected: yes.
Comment: The c.2319dupG variant in the KMT2A gene has not been reported previously as a pathogenic variant nor as a benign variant, to our knowledge. The c.2319dupG variant causes a frameshift starting with codon Serine 774, changes this amino acid to a Valine residue, and creates a premature Stop codon at position 12 of the new reading frame, denoted p.Ser774ValfsX12. This variant is predicted to cause loss of normal protein function either through protein truncation or nonsense-mediated mRNA decay. The c.2319dupG variant is not observed in large population cohorts (Lek et al., 2016). We interpret c.2319dupG as a pathogenic variant.

NM_001197104.2(KMT2A):c.2319dup (p.Ser774fs)

Gene: KMT2A (lysine methyltransferase 2A; plus strand). Cytogenetic location: 11q23.3.
Variant type: Duplication.
Coding change: c.2319dup on transcript NM_001197104.2 (MANE Select); coding-DNA position 2319, one base duplicated (G; older notation c.2319dupG).
Protein change: p.Ser774fs; shifts the reading frame from serine 774.
Molecular consequence: frameshift variant.
Genome position (GRCh38, 1-based): chr11:118,473,478, G duplicated. VCF-style (leftmost placement, unchanged base first): chr11-118473477-C-CG. GRCh37 (hg19) VCF-style: chr11-118344192-C-CG.
Other names: c.2319dupG (NM_001197104.1); c.2319dup, p.Ser774fs (NM_005933.4); short protein forms S774fs.
Identifiers: ClinVar variation 545915 (VCV000545915.2), dbSNP rs1555036475, ClinGen allele CA658821379.